The following is an entry in ClinVar:

ClinVar aggregate classification (germline): Pathogenic (1 of 4 stars; one submission).

Conditions:
Radioulnar synostosis with amegakaryocytic thrombocytopenia 2 (RUSAT2). Also called: RADIOULNAR SYNOSTOSIS AND AMEGAKARYOCYTIC THROMBOCYTOPENIA 2. Identifiers: Orphanet 71289, MedGen C4225221, MONDO:0014758, OMIM 616738.

Submission:

Institute of Human Genetics, University of Leipzig Medical Center
Classification: Pathogenic for Radioulnar synostosis with amegakaryocytic thrombocytopenia 2. Last evaluated: 2023-08-01. Review status: criteria provided, single submitter. Criteria: ACMG Guidelines, 2015. Collection method: clinical testing. Allele origin: maternal. Inheritance: Autosomal dominant inheritance. Affected: yes.
Comment: Criteria applied: PVS1,PM2

NM_004991.4(MECOM):c.627T>A (p.Tyr209Ter)

Gene: MECOM (MDS1 and EVI1 complex locus; minus strand). Cytogenetic location: 3q26.2.
Variant type: single nucleotide variant.
Coding change: c.627T>A on transcript NM_004991.4 (MANE Select); coding-DNA position 627, T replaced by A.
Protein change: p.Tyr209Ter; replaces tyrosine 209 with a stop codon.
Molecular consequence: nonsense.
Genome position (GRCh38, 1-based): chr3:169,128,047, A>T on the plus strand (T>A on the coding strand, the complement: MECOM is on the minus strand). VCF-style: chr3-169128047-A-T. GRCh37 (hg19) VCF-style: chr3-168845835-A-T.
Other names: c.255T>A, p.Tyr85Ter (NM_001105077.4); c.63T>A, p.Tyr21Ter (NM_001105078.4, NM_001163999.2, NM_001164000.2 and 9 more transcripts); c.627T>A, p.Tyr209Ter (NM_001366466.2, NM_001366473.2); short protein forms Y209*, Y21*, Y85*.
Identifiers: ClinVar variation 3359122 (VCV003359122.2).